The following is an entry in ClinVar:

NM_005359.6(SMAD4):c.1092G>A (p.Leu364=)

Gene: SMAD4 (SMAD family member 4; plus strand). Cytogenetic location: 18q21.2.
Variant type: single nucleotide variant.
Coding change: c.1092G>A on transcript NM_005359.6 (MANE Select); coding-DNA position 1092, G replaced by A.
Protein change: p.Leu364=; no amino-acid change (leucine 364 retained).
Molecular consequence: synonymous variant. On other transcripts: non-coding transcript variant (2).
Genome position (GRCh38, 1-based): chr18:51,065,559, G>A. VCF-style: chr18-51065559-G-A. GRCh37 (hg19) VCF-style: chr18-48591929-G-A.
Other names: c.1092G>A, p.Leu364= (NM_001407041.1, NM_001407042.1, NM_001407043.1).
Identifiers: ClinVar variation 3445850 (VCV003445850.2).

ClinVar aggregate classification (germline): Conflicting classifications of pathogenicity. Review status: criteria provided, conflicting classifications (1 of 4 stars). 2 submissions from 2 submitters: Uncertain significance (1); Benign (1). Last evaluated 2025-03-21.

Conditions:
Familial thoracic aortic aneurysm and aortic dissection (TAAD). Also called: Thoracic aortic aneurysms and dissections. Identifiers: Orphanet 91387, MedGen C4707243, MONDO:0019625.
Hereditary cancer-predisposing syndrome. Also called: Neoplastic Syndromes, Hereditary; Tumor predisposition; Hereditary neoplastic syndrome; Hereditary Cancer Syndrome. Identifiers: Orphanet 140162, MedGen C0027672, MeSH D009386, MONDO:0015356.
Juvenile polyposis/hereditary hemorrhagic telangiectasia syndrome (JPHT). Also called: JP/HHT SYNDROME; JUVENILE POLYPOSIS WITH HEREDITARY HEMORRHAGIC TELANGIECTASIA; POLYPOSIS, GENERALIZED JUVENILE, WITH PULMONARY ARTERIOVENOUS MALFORMATION; TELANGIECTASIA, HEREDITARY HEMORRHAGIC, WITH JUVENILE POLYPOSIS COLI; Juvenile Polyposis Syndrome / Hereditary Hemorrhagic Telangiectasia (JPS/HHT). Identifiers: Orphanet 2929, MedGen C1832942, MONDO:0008278, OMIM 175050.

Submissions (2):

Myriad Genetics, Inc.
Classification: Benign for Juvenile polyposis/hereditary hemorrhagic telangiectasia syndrome. Last evaluated: 2025-03-21. Review status: criteria provided, single submitter. Criteria: Myriad Autosomal Dominant, Autosomal Recessive and X-Linked Classification Criteria (2023). Collection method: clinical testing. Allele origin: unknown.
Comment: This variant is considered benign. This variant is a silent/synonymous amino acid change and it is not expected to impact splicing.

Ambry Genetics
Classification: Uncertain significance for Hereditary cancer-predisposing syndrome; Familial thoracic aortic aneurysm and aortic dissection. Last evaluated: 2024-08-29. Review status: criteria provided, single submitter. Criteria: Ambry Variant Classification Scheme 2023. Collection method: clinical testing. Allele origin: germline.
Comment: The c.1092G>A variant (also known as p.L364L), located in coding exon 8 of the SMAD4 gene, results from a G to A substitution at nucleotide position 1092. This nucleotide substitution does not change the amino acid at codon 364. This nucleotide position is well conserved in available vertebrate species. In silico splice site analysis for this alteration is inconclusive. Based on the available evidence, the clinical significance of this variant remains unclear.